The following is an entry in ClinVar:

ClinVar aggregate classification (germline): Benign. Review status: criteria provided, single submitter (1 of 4 stars). 2 submissions from 2 submitters: Benign (1). 1 of the submissions does not count toward it. Last evaluated 2025-04-30.

Conditions:
GNAL-related disorder. Also called: GNAL-related condition.
Dystonic disorder. Also called: Dystonia. Identifiers: MedGen C0013421, MONDO:0003441, HP:0001332.

Allele frequency attached by ClinVar (database versions not stated): gnomAD exomes 0.00039 and 0.00115; gnomAD 0.00045 and 0.00060; TOPMed 0.00066; ExAC 0.00097; 1000 Genomes Project 30x 0.00406; 1000 Genomes Project 0.00459.
gnomAD v4.1: 691 of 1,609,298 alleles (0.043%); highest among the groups gnomAD compares: East Asian, 1.4%; 9 homozygotes.

Submissions (2):

Labcorp Genetics (formerly Invitae), Labcorp
Classification: Benign for Dystonic disorder. Last evaluated: 2025-04-30. Review status: criteria provided, single submitter. Criteria: Invitae Variant Classification Sherloc (09022015). Collection method: clinical testing. Allele origin: germline.

PreventionGenetics, part of Exact Sciences
Classification: Likely benign for GNAL-related condition. Last evaluated: 2019-04-01. Review status: no assertion criteria provided. Collection method: clinical testing. Allele origin: germline. Not counted in ClinVar's aggregate classification.
Comment: This variant is classified as likely benign based on ACMG/AMP sequence variant interpretation guidelines (Richards et al. 2015 PMID: 25741868, with internal and published modifications).

NM_182978.4(GNAL):c.591C>T (p.Ser197=)

Gene: GNAL (G protein subunit alpha L; plus strand). Cytogenetic location: 18p11.21.
Variant type: single nucleotide variant.
Coding change: c.591C>T on transcript NM_182978.4 (MANE Select); coding-DNA position 591, C replaced by T.
Protein change: p.Ser197=; no amino-acid change (serine 197 retained).
Molecular consequence: synonymous variant.
Genome position (GRCh38, 1-based): chr18:11,753,912, C>T. VCF-style: chr18-11753912-C-T. GRCh37 (hg19) VCF-style: chr18-11753911-C-T.
Other names: c.360C>T, p.Ser120= (NM_001142339.3, NM_001261443.2, NM_001369387.1).
Identifiers: ClinVar variation 455978 (VCV000455978.14), dbSNP rs76888098, ClinGen allele CA8893929.